The following is an entry in ClinVar:

NM_001127208.3(TET2):c.2066C>G (p.Ser689Cys)

Genes: TET2 (tet methylcytosine dioxygenase 2; plus strand), TET2-AS1 (TET2 antisense RNA 1; minus strand). Cytogenetic location: 4q24.
Variant type: single nucleotide variant.
Coding change: c.2066C>G on transcript NM_001127208.3 (MANE Select); coding-DNA position 2066, C replaced by G.
Protein change: p.Ser689Cys; replaces serine 689 with cysteine.
Molecular consequence: missense variant.
Genome position (GRCh38, 1-based): chr4:105,236,008, C>G. VCF-style: chr4-105236008-C-G. GRCh37 (hg19) VCF-style: chr4-106157165-C-G.
Other names: c.2066C>G, p.Ser689Cys (NM_017628.4); short protein forms S689C.
Identifiers: ClinVar variation 3806041 (VCV003806041.1).

ClinVar aggregate classification (germline): Uncertain significance (1 of 4 stars; one submission).

gnomAD v4.1: 1 of 1,614,142 alleles (0.000062%); highest among the groups gnomAD compares: East Asian, 0.0022%; no homozygotes.

Submission:

Ambry Genetics
Classification: Uncertain significance. Last evaluated: 2025-02-08. Review status: criteria provided, single submitter. Criteria: Ambry Variant Classification Scheme 2023. Collection method: clinical testing. Allele origin: germline.
Comment: The p.S689C variant (also known as c.2066C>G), located in coding exon 1 of the TET2 gene, results from a C to G substitution at nucleotide position 2066. The serine at codon 689 is replaced by cysteine, an amino acid with dissimilar properties. This amino acid position is conserved. In addition, this alteration is predicted to be tolerated by in silico analysis. Based on the available evidence, the clinical significance of this variant remains unclear.